The following is an entry in ClinVar:

NM_177550.5(SLC13A5):c.292G>A (p.Val98Met)

Gene: SLC13A5 (solute carrier family 13 member 5; minus strand). Cytogenetic location: 17p13.1.
Variant type: single nucleotide variant.
Coding change: c.292G>A on transcript NM_177550.5 (MANE Select); coding-DNA position 292, G replaced by A.
Protein change: p.Val98Met; replaces valine 98 with methionine.
Molecular consequence: missense variant.
Genome position (GRCh38, 1-based): chr17:6,706,718, C>T on the plus strand (G>A on the coding strand, the complement: SLC13A5 is on the minus strand). VCF-style: chr17-6706718-C-T. GRCh37 (hg19) VCF-style: chr17-6610037-C-T.
Other names: c.292G>A (NM_177550.3); c.292G>A, p.Val98Met (NM_001143838.3, NM_001284509.2); c.163G>A, p.Val55Met (NM_001284510.2); short protein forms V98M, V55M.
Identifiers: ClinVar variation 419488 (VCV000419488.13), dbSNP rs529524270, ClinGen allele CA8331786.

ClinVar aggregate classification (germline): Uncertain significance. Review status: criteria provided, multiple submitters, no conflicts (2 of 4 stars). 4 submissions from 4 submitters: Uncertain significance (4). Last evaluated 2024-03-07.

Conditions:
Developmental and epileptic encephalopathy, 25 (DEE25). Also called: Epileptic encephalopathy, early infantile, 25; Developmental and epileptic encephalopathy 25, with amelogenesis imperfecta; Epileptic encephalopathy, early infantile, 25, with amelogenesis imperfecta. Identifiers: Orphanet 442835, MedGen C4014621, MONDO:0014392, OMIM 615905.

Allele frequency attached by ClinVar (database versions not stated): gnomAD 0.00001 and 0.00003; TOPMed 0.00002; ExAC 0.00005; gnomAD exomes 0.00005; 1000 Genomes Project 30x 0.00031; 1000 Genomes Project 0.00040.

Submissions (4):

GeneDx
Classification: Uncertain significance. Last evaluated: 2024-03-07. Review status: criteria provided, single submitter. Criteria: GeneDx Variant Classification Process June 2021. Collection method: clinical testing. Allele origin: germline. Affected: yes.
Comment: In silico analysis supports that this missense variant does not alter protein structure/function; Has not been previously published as pathogenic or benign to our knowledge

Revvity Omics, Revvity
Classification: Uncertain significance for Developmental and epileptic encephalopathy, 25. Last evaluated: 2023-11-09. Review status: criteria provided, single submitter. Criteria: ACMG Guidelines, 2015. Collection method: clinical testing. Allele origin: germline.

Labcorp Genetics (formerly Invitae), Labcorp
Classification: Uncertain significance for Developmental and epileptic encephalopathy, 25. Last evaluated: 2022-08-16. Review status: criteria provided, single submitter. Criteria: Invitae Variant Classification Sherloc (09022015). Collection method: clinical testing. Allele origin: germline.
Comment: This sequence change replaces valine, which is neutral and non-polar, with methionine, which is neutral and non-polar, at codon 98 of the SLC13A5 protein (p.Val98Met). The frequency data for this variant in the population databases is considered unreliable, as metrics indicate poor data quality at this position in the gnomAD database. This variant has not been reported in the literature in individuals affected with SLC13A5-related conditions. ClinVar contains an entry for this variant (Variation ID: 419488). Algorithms developed to predict the effect of missense changes on protein structure and function are either unavailable or do not agree on the potential impact of this missense change (SIFT: "Deleterious"; PolyPhen-2: "Probably Damaging"; Align-GVGD: "Class C0"). In summary, the available evidence is currently insufficient to determine the role of this variant in disease. Therefore, it has been classified as a Variant of Uncertain Significance.

Genome-Nilou Lab
Classification: Uncertain significance for Developmental and epileptic encephalopathy, 25. Last evaluated: 2021-07-15. Review status: criteria provided, single submitter. Criteria: ACMG Guidelines, 2015. Collection method: clinical testing. Allele origin: germline. Affected: no.